The following is an entry in ClinVar:

NM_001204.7(BMPR2):c.*6879A>G

Gene: BMPR2 (bone morphogenetic protein receptor type 2; plus strand). Cytogenetic location: 2q33.2.
Variant type: single nucleotide variant.
Coding change: c.*6879A>G on transcript NM_001204.7 (MANE Select); 6879 bases downstream of the stop codon, A replaced by G.
Molecular consequence: 3 prime UTR variant.
Genome position (GRCh38, 1-based): chr2:202,566,825, A>G. VCF-style: chr2-202566825-A-G. GRCh37 (hg19) VCF-style: chr2-203431548-A-G.
Other names: c.*6879A>G (LRG_712t1).
Identifiers: ClinVar variation 333723 (VCV000333723.5), dbSNP rs138750669, ClinGen allele CA10613929.

ClinVar aggregate classification (germline): Benign (1 of 4 stars; one submission).

Conditions:
Pulmonary hypertension, primary, 1 (PPH1). Also called: Pulmonary hypertension, familial primary, 1, with or without HHT. Identifiers: Orphanet 422, MedGen C4552070, MONDO:0024533, OMIM 178600.

Allele frequency attached by ClinVar (database versions not stated): 1000 Genomes Project 30x 0.00047; gnomAD 0.00127 and 0.00133; 1000 Genomes Project 0.00060; TOPMed 0.00122.

Submission:

Illumina Laboratory Services, Illumina
Classification: Benign for Pulmonary hypertension, primary, 1. Last evaluated: 2018-01-13. Review status: criteria provided, single submitter. Criteria: ICSL Variant Classification Criteria 13 December 2019. Collection method: clinical testing. Allele origin: germline.
Comment: This variant was observed in the ICSL laboratory as part of a predisposition screen in an ostensibly healthy population. It had not been previously curated by ICSL or reported in the Human Gene Mutation Database (HGMD: prior to June 1st, 2018), and was therefore a candidate for classification through an automated scoring system. Utilizing variant allele frequency, disease prevalence and penetrance estimates, and inheritance mode, an automated score was calculated to assess if this variant is too frequent to cause the disease. Based on the score and internal cut-off values, a variant classified as benign is not then subjected to further curation. The score for this variant resulted in a classification of benign for this disease.